The following is an entry in ClinVar:

NM_015214.3(DDHD2):c.226_227delinsTA (p.Gly76Tyr)

Gene: DDHD2 (DDHD domain containing 2; plus strand). Cytogenetic location: 8p11.23.
Variant type: Indel.
Coding change: c.226_227delinsTA on transcript NM_015214.3 (MANE Select); coding-DNA positions 226 to 227, GG replaced by TA.
Protein change: p.Gly76Tyr; replaces glycine 76 with tyrosine.
Molecular consequence: missense variant. On other transcripts: non-coding transcript variant (2).
Genome position (GRCh38, 1-based): chr8:38,234,399-38,234,400, GG replaced by TA. VCF-style: chr8-38234399-GG-TA. GRCh37 (hg19) VCF-style: chr8-38091917-GG-TA.
Other names: c.226_227delinsTA, p.Gly76Tyr (NM_001164232.2, NM_001164234.2, NM_001362911.2 and 3 more transcripts); short protein forms G76Y.
Identifiers: ClinVar variation 210840 (VCV000210840.13), dbSNP rs797045521, ClinGen allele CA206452.

ClinVar aggregate classification (germline): Conflicting classifications of pathogenicity. Review status: criteria provided, conflicting classifications (1 of 4 stars). 3 submissions from 3 submitters: Uncertain significance (2); Likely benign (1). Last evaluated 2026-01-08.

Conditions:
Hereditary spastic paraplegia 54. Also called: Spastic paraplegia 54, autosomal recessive. Identifiers: Orphanet 320380, MedGen C3539495, MONDO:0014018, OMIM 615033.

Submissions (3):

Labcorp Genetics (formerly Invitae), Labcorp
Classification: Uncertain significance for Hereditary spastic paraplegia 54. Last evaluated: 2026-01-08. Review status: criteria provided, single submitter. Criteria: Invitae Variant Classification Sherloc (09022015). Collection method: clinical testing. Allele origin: germline.
Comment: This sequence change replaces glycine, which is neutral and non-polar, with tyrosine, which is neutral and polar, at codon 76 of the DDHD2 protein (p.Gly76Tyr). The frequency data for this variant in the population databases is considered unreliable, as metrics indicate poor data quality at this position in the gnomAD database. This variant has not been reported in the literature in individuals affected with DDHD2-related conditions. ClinVar contains an entry for this variant (Variation ID: 210840). An algorithm developed to predict the effect of missense changes on protein structure and function (PolyPhen-2) suggests that this variant is likely to be tolerated. In summary, the available evidence is currently insufficient to determine the role of this variant in disease. Therefore, it has been classified as a Variant of Uncertain Significance.

GeneDx
Classification: Likely benign. Last evaluated: 2020-08-25. Review status: criteria provided, single submitter. Criteria: GeneDx Variant Classification Process June 2021. Collection method: clinical testing. Allele origin: germline. Affected: yes.

Genetic Services Laboratory, University of Chicago
Classification: Uncertain significance. Last evaluated: 2015-03-04. Review status: criteria provided, single submitter. Criteria: ACMG Guidelines, 2015. Collection method: clinical testing. Allele origin: germline.